The following is an entry in ClinVar:

NM_000786.4(CYP51A1):c.316A>G (p.Met106Val)

Gene: CYP51A1 (cytochrome P450 family 51 subfamily A member 1; minus strand). Cytogenetic location: 7q21.2.
Variant type: single nucleotide variant.
Coding change: c.316A>G on transcript NM_000786.4 (MANE Select); coding-DNA position 316, A replaced by G.
Protein change: p.Met106Val; replaces methionine 106 with valine.
Molecular consequence: missense variant. On other transcripts: initiator codon variant (1).
Genome position (GRCh38, 1-based): chr7:92,129,032, T>C on the plus strand (A>G on the coding strand, the complement: CYP51A1 is on the minus strand). VCF-style: chr7-92129032-T-C. GRCh37 (hg19) VCF-style: chr7-91758346-T-C.
Other names: c.1A>G, p.Met1Val (NM_001146152.2); short protein forms M106V, M1V.
Identifiers: ClinVar variation 2626928 (VCV002626928.1), dbSNP rs146474563, ClinGen allele CA4338587.
Genomic context (GRCh38, chr7:92,129,032, plus strand): 5'-TATTAAAAAGCAGTGCAGCAGCATCACTCCCCAGAAGGTAAGTAAATGTCTTGCCTACCA[T>C]GGTAAAACTAAATACAGGTCCATACTAAAAAGAGAAAAGTACATATAGTGATGTTACAAA-3'
Protein context (NP_000777.1, residues 96-116): EKYGPVFSFT[Met106Val]VGKTFTYLLG

ClinVar aggregate classification (germline): Uncertain significance (1 of 4 stars; one submission).

Allele frequency attached by ClinVar (database versions not stated): ExAC 0.00001; gnomAD 0.00003; gnomAD exomes 0.00003; TOPMed 0.00003; ESP Exome Variant Server 0.00008.

Submission:

Greenwood Genetic Center Diagnostic Laboratories, Greenwood Genetic Center
Classification: Uncertain significance. Last evaluated: 2023-09-06. Review status: criteria provided, single submitter. Criteria: ACMG Guidelines, 2015. Collection method: clinical testing. Allele origin: germline. Affected: yes.
Comment: PM2